The following is an entry in ClinVar:

NM_207361.6(FREM2):c.*5733C>T

Gene: FREM2 (FRAS1 related extracellular matrix 2; plus strand). Cytogenetic location: 13q13.3.
Variant type: single nucleotide variant.
Coding change: c.*5733C>T on transcript NM_207361.6 (MANE Select); 5733 bases downstream of the stop codon, C replaced by T.
Molecular consequence: 3 prime UTR variant.
Genome position (GRCh38, 1-based): chr13:38,886,520, C>T. VCF-style: chr13-38886520-C-T. GRCh37 (hg19) VCF-style: chr13-39460657-C-T.
Identifiers: ClinVar variation 312113 (VCV000312113.5), dbSNP rs1945505, ClinGen allele CA10639537.

ClinVar aggregate classification (germline): Benign (1 of 4 stars; one submission).

Conditions:
Fraser syndrome 2 (FRASRS2). Identifiers: MedGen C4540036, MONDO:0054738, OMIM 617666.

Allele frequency attached by ClinVar (database versions not stated): 1000 Genomes Project 30x 0.43285; 1000 Genomes Project 0.43431; TOPMed 0.46032; gnomAD 0.46104 and 0.46197; gnomAD exomes 0.55952.
gnomAD v4.1: 70,088 of 151,854 alleles (46%); highest among the groups gnomAD compares: Admixed American, 57%; 16,885 homozygotes.

Submission:

Illumina Laboratory Services, Illumina
Classification: Benign for Fraser syndrome 2. Last evaluated: 2018-01-12. Review status: criteria provided, single submitter. Criteria: ICSL Variant Classification Criteria 13 December 2019. Collection method: clinical testing. Allele origin: germline.
Comment: This variant was observed in the ICSL laboratory as part of a predisposition screen in an ostensibly healthy population. It had not been previously curated by ICSL or reported in the Human Gene Mutation Database (HGMD: prior to June 1st, 2018), and was therefore a candidate for classification through an automated scoring system. Utilizing variant allele frequency, disease prevalence and penetrance estimates, and inheritance mode, an automated score was calculated to assess if this variant is too frequent to cause the disease. Based on the score and internal cut-off values, a variant classified as benign is not then subjected to further curation. The score for this variant resulted in a classification of benign for this disease.